The following is an entry in ClinVar:

NM_000038.6(APC):c.2884G>A (p.Asp962Asn)

Gene: APC (APC regulator of Wnt signaling pathway; plus strand). Cytogenetic location: 5q22.2.
Variant type: single nucleotide variant.
Coding change: c.2884G>A on transcript NM_000038.6 (MANE Select); coding-DNA position 2884, G replaced by A.
Protein change: p.Asp962Asn; replaces aspartic acid 962 with asparagine.
Molecular consequence: missense variant.
Genome position (GRCh38, 1-based): chr5:112,838,478, G>A. VCF-style: chr5-112838478-G-A. GRCh37 (hg19) VCF-style: chr5-112174175-G-A.
Other names: c.2884G>A, p.Asp962Asn (NM_001127510.3, NM_001354895.2); c.2830G>A, p.Asp944Asn (NM_001127511.3); c.2938G>A, p.Asp980Asn (NM_001354896.2); c.2914G>A, p.Asp972Asn (NM_001354897.2); c.2809G>A, p.Asp937Asn (NM_001354898.2); c.2800G>A, p.Asp934Asn (NM_001354899.2); c.2761G>A, p.Asp921Asn (NM_001354900.2); c.2707G>A, p.Asp903Asn (NM_001354901.2); and 5 more; short protein forms D944N, D962N, D871N, D972N, D679N, D921N, D934N, D937N.
Identifiers: ClinVar variation 482327 (VCV000482327.5), dbSNP rs1554084565, ClinGen allele CA16027622.

ClinVar aggregate classification (germline): Uncertain significance (1 of 4 stars; one submission).

Conditions:
Hereditary cancer-predisposing syndrome. Also called: Neoplastic Syndromes, Hereditary; Tumor predisposition; Hereditary Cancer Syndrome; Hereditary neoplastic syndrome. Identifiers: Orphanet 140162, MedGen C0027672, MeSH D009386, MONDO:0015356.

Submission:

Ambry Genetics
Classification: Uncertain significance for Hereditary cancer-predisposing syndrome. Last evaluated: 2016-03-22. Review status: criteria provided, single submitter. Criteria: Ambry Variant Classification Scheme 2023. Collection method: clinical testing. Allele origin: germline.
Comment: The p.D962N variant (also known as c.2884G>A), located in coding exon 15 of the APC gene, results from a G to A substitution at nucleotide position 2884. The aspartic acid at codon 962 is replaced by asparagine, an amino acid with highly similar properties. This variant was not reported in population based cohorts in the following databases: Database of Single Nucleotide Polymorphisms (dbSNP), NHLBI Exome Sequencing Project (ESP), and 1000 Genomes Project. In the ESP, this variant was not observed in 6502 samples (13004 alleles) with coverage at this position. To date, this alteration has been detected with an allele frequency of approximately 0.001% (greater than 70000 alleles tested) in our clinical cohort. This amino acid position is highly conserved in available vertebrate species. In addition, in silico predictors for this gene do not accurately predict pathogenicity. Since supporting evidence is limited at this time, the clinical significance of this alteration remains unclear.